The following is an entry in ClinVar:

NM_002693.3(POLG):c.2939A>C (p.Glu980Ala)

Gene: POLG (DNA polymerase gamma, catalytic subunit; minus strand). Cytogenetic location: 15q26.1.
Variant type: single nucleotide variant.
Coding change: c.2939A>C on transcript NM_002693.3 (MANE Select); coding-DNA position 2939, A replaced by C.
Protein change: p.Glu980Ala; replaces glutamic acid 980 with alanine.
Molecular consequence: missense variant.
Genome position (GRCh38, 1-based): chr15:89,320,808, T>G on the plus strand (A>C on the coding strand, the complement: POLG is on the minus strand). VCF-style: chr15-89320808-T-G. GRCh37 (hg19) VCF-style: chr15-89864039-T-G.
Other names: c.2939A>C, p.Glu980Ala (NM_001126131.2); short protein forms E980A.
Identifiers: ClinVar variation 528381 (VCV000528381.26), dbSNP rs754202777, ClinGen allele CA7724320.

ClinVar aggregate classification (germline): Uncertain significance. Review status: criteria provided, multiple submitters, no conflicts (2 of 4 stars). 7 submissions from 7 submitters: Uncertain significance (7). Last evaluated 2026-03-07.

Conditions:
POLG-related disorder. Also called: POLG-Related Spectrum Disorders; POLG-related condition; POLG-Related Disorders. Identifiers: MedGen C4763519.
Progressive sclerosing poliodystrophy (MTDPS4A). Also called: Mitochondrial DNA depletion syndrome 4A (Alpers type); Mitochondrial DNA Depletion Syndrome 4A; Alpers-Huttenlocher Syndrome (AHS); Alpers Syndrome; ALPERS PROGRESSIVE INFANTILE POLIODYSTROPHY; ALPERS DIFFUSE DEGENERATION OF CEREBRAL GRAY MATTER WITH HEPATIC CIRRHOSIS. Identifiers: Orphanet 726, MedGen C0205710, MONDO:0008758, OMIM 203700.

Allele frequency attached by ClinVar (database versions not stated): TOPMed below 0.00001; ExAC 0.00002; gnomAD exomes 0.00002; gnomAD 0.00003.

Submissions (7):

GeneDx
Classification: Uncertain significance. Last evaluated: 2026-03-07. Review status: criteria provided, single submitter. Criteria: GeneDx Variant Classification Process June 2021. Collection method: clinical testing. Allele origin: germline.
Comment: Not observed at significant frequency in large population cohorts (gnomAD); In silico analysis suggests that this missense variant does not alter protein structure/function; Has not been previously published as pathogenic or benign to our knowledge

CeGaT Center for Human Genetics Tuebingen
Classification: Uncertain significance. Last evaluated: 2025-09-01. Review status: criteria provided, single submitter. Criteria: CeGaT Center For Human Genetics Tuebingen Variant Classification Criteria Version 2. Collection method: clinical testing. Allele origin: germline. Affected: yes. Observed: 2 variant alleles.
Comment: POLG: PM2

Labcorp Genetics (formerly Invitae), Labcorp
Classification: Uncertain significance for Progressive sclerosing poliodystrophy. Last evaluated: 2025-07-28. Review status: criteria provided, single submitter. Criteria: Invitae Variant Classification Sherloc (09022015). Collection method: clinical testing. Allele origin: germline.
Comment: This sequence change replaces glutamic acid, which is acidic and polar, with alanine, which is neutral and non-polar, at codon 980 of the POLG protein (p.Glu980Ala). This variant is present in population databases (rs754202777, gnomAD 0.006%). This variant has not been reported in the literature in individuals affected with POLG-related conditions. ClinVar contains an entry for this variant (Variation ID: 528381). Invitae Evidence Modeling of protein sequence and biophysical properties (such as structural, functional, and spatial information, amino acid conservation, physicochemical variation, residue mobility, and thermodynamic stability) has been performed for this missense variant. However, the output from this modeling did not meet the statistical confidence thresholds required to predict the impact of this variant on POLG protein function. In summary, the available evidence is currently insufficient to determine the role of this variant in disease. Therefore, it has been classified as a Variant of Uncertain Significance.

PreventionGenetics, part of Exact Sciences
Classification: Uncertain significance for POLG-related condition. Last evaluated: 2024-12-10. Review status: criteria provided, single submitter. Criteria: ACMG Guidelines, 2015. Collection method: clinical testing. Allele origin: germline.
Comment: The POLG c.2939A>C variant is predicted to result in the amino acid substitution p.Glu980Ala. To our knowledge, this variant has not been reported in the literature. This variant is reported in 0.0070% of alleles in individuals of European (Non-Finnish) descent in gnomAD. At this time, the clinical significance of this variant is uncertain due to the absence of conclusive functional and genetic evidence.

Blueprint Genetics
Classification: Uncertain significance. Last evaluated: 2024-08-19. Review status: criteria provided, single submitter. Criteria: ACMG Guidelines, 2015. Collection method: clinical testing. Allele origin: germline.

Illumina Laboratory Services, Illumina
Classification: Uncertain significance for POLG-Related Spectrum Disorders. Last evaluated: 2018-01-12. Review status: criteria provided, single submitter. Criteria: ICSL Variant Classification Criteria 13 December 2019. Collection method: clinical testing. Allele origin: germline.

Athena Diagnostics
Classification: Uncertain significance. Last evaluated: 2018-01-11. Review status: criteria provided, single submitter. Criteria: Athena Diagnostics Criteria. Collection method: clinical testing. Allele origin: germline.